The following is an entry in ClinVar:

NM_005676.5(RBM10):c.1435+4del

Gene: RBM10 (RNA binding motif protein 10; plus strand). Cytogenetic location: Xp11.3.
Variant type: Deletion.
Coding change: c.1435+4del on transcript NM_005676.5 (MANE Select); 4 bases into the intron after coding-DNA position 1435, one base deleted (A; older notation c.1435+4delA).
Molecular consequence: intron variant.
Genome position (GRCh38, 1-based): chrX:47,181,405, A deleted. VCF-style (leftmost placement, unchanged base first): chrX-47181404-GA-G. GRCh37 (hg19) VCF-style: chrX-47040803-GA-G.
Other names: c.1630+4del (NM_001204468.2); c.1432+4del (NM_001204467.2); c.1204+4del (NM_001204466.2); c.1201+4del (NM_152856.3).
Identifiers: ClinVar variation 421365 (VCV000421365.3), dbSNP rs1064795088, ClinGen allele CA16621410.

ClinVar aggregate classification (germline): Likely pathogenic (1 of 4 stars; one submission).

Submission:

GeneDx
Classification: Likely pathogenic. Last evaluated: 2019-05-06. Review status: criteria provided, single submitter. Criteria: GeneDx Variant Classification Process June 2021. Collection method: clinical testing. Allele origin: germline. Affected: yes.
Comment: Not observed in large population cohorts (Lek et al., 2016); In silico analysis, which includes splice predictors and evolutionary conservation, supports a deleterious effect; Has not been previously published as pathogenic or benign to our knowledge